The following is an entry in ClinVar:

ClinVar aggregate classification (germline): Uncertain significance. Review status: criteria provided, multiple submitters, no conflicts (2 of 4 stars). 2 submissions from 2 submitters: Uncertain significance (2). Last evaluated 2024-09-25.

Conditions:
Generalized epilepsy with febrile seizures plus, type 7 (GEFSP7). Also called: GEFS+, TYPE 7. Identifiers: Orphanet 36387, MedGen C2751778, MONDO:0013470, OMIM 613863.
Neuropathy, hereditary sensory and autonomic, type 2A (HSAN2A). Also called: MORVAN DISEASE; NEUROPATHY, CONGENITAL SENSORY; NEUROPATHY, HEREDITARY SENSORY RADICULAR, AUTOSOMAL RECESSIVE; NEUROPATHY, HEREDITARY SENSORY, TYPE IIA; NEUROPATHY, PROGRESSIVE SENSORY, OF CHILDREN; ACROOSTEOLYSIS, GIACCAI TYPE. Identifiers: Orphanet 970, MedGen C2752089, MONDO:0024309, OMIM 201300.
Inborn genetic diseases. Identifiers: MedGen C0950123, MeSH D030342.

Allele frequency attached by ClinVar (database versions not stated): gnomAD exomes below 0.00001; TOPMed below 0.00001; gnomAD 0.00001.
gnomAD v4.1: 3 of 1,528,782 alleles (0.0002%); highest among the groups gnomAD compares: Non-Finnish European, 0.00026%; no homozygotes.

Submissions (2):

Labcorp Genetics (formerly Invitae), Labcorp
Classification: Uncertain significance for Neuropathy, hereditary sensory and autonomic, type 2A; Generalized epilepsy with febrile seizures plus, type 7. Last evaluated: 2024-09-25. Review status: criteria provided, single submitter. Criteria: Invitae Variant Classification Sherloc (09022015). Collection method: clinical testing. Allele origin: germline.
Comment: This sequence change replaces isoleucine, which is neutral and non-polar, with valine, which is neutral and non-polar, at codon 979 of the SCN9A protein (p.Ile979Val). This variant is not present in population databases (gnomAD no frequency). This variant has not been reported in the literature in individuals affected with SCN9A-related conditions. ClinVar contains an entry for this variant (Variation ID: 952898). Invitae Evidence Modeling of protein sequence and biophysical properties (such as structural, functional, and spatial information, amino acid conservation, physicochemical variation, residue mobility, and thermodynamic stability) indicates that this missense variant is not expected to disrupt SCN9A protein function with a negative predictive value of 95%. In summary, the available evidence is currently insufficient to determine the role of this variant in disease. Therefore, it has been classified as a Variant of Uncertain Significance.

Ambry Genetics
Classification: Uncertain significance for Inborn genetic diseases. Last evaluated: 2021-04-30. Review status: criteria provided, single submitter. Criteria: Ambry Variant Classification Scheme 2023. Collection method: clinical testing. Allele origin: germline.
Comment: The p.I979V variant (also known as c.2935A>G), located in coding exon 16 of the SCN9A gene, results from an A to G substitution at nucleotide position 2935. The isoleucine at codon 979 is replaced by valine, an amino acid with highly similar properties. This amino acid position is well conserved in available vertebrate species. In addition, this alteration is predicted to be tolerated by in silico analysis. Since supporting evidence is limited at this time, the clinical significance of this alteration remains unclear.

NM_001365536.1(SCN9A):c.2968A>G (p.Ile990Val)

Genes: SCN9A (sodium voltage-gated channel alpha subunit 9; minus strand), SCN1A-AS1 (SCN1A and SCN9A antisense RNA 1; plus strand). Cytogenetic location: 2q24.3.
Variant type: single nucleotide variant.
Coding change: c.2968A>G on transcript NM_001365536.1 (MANE Select); coding-DNA position 2968, A replaced by G.
Protein change: p.Ile990Val; replaces isoleucine 990 with valine.
Molecular consequence: missense variant.
Genome position (GRCh38, 1-based): chr2:166,272,782, T>C on the plus strand (A>G on the coding strand, the complement: SCN9A is on the minus strand). VCF-style: chr2-166272782-T-C. GRCh37 (hg19) VCF-style: chr2-167129292-T-C.
Other names: c.2935A>G, p.Ile979Val (NM_002977.4); short protein forms I990V, I979V.
Identifiers: ClinVar variation 952898 (VCV000952898.12), dbSNP rs1354458914, ClinGen allele CA349074657.
Genomic context (GRCh38, chr2:166,272,782, plus strand): 5'-TAAATTCACGTAAGGTTTGTTTCACATAATTTATTCCCTTTTTAATTCTAGTCACTGCAA[T>C]CTGGAGGTTGTTTGCATCAGGGTCTTCTTCAATTGCTGTAAGATTGTCTGAACTAAATGA-3'
Protein context (NP_001352465.1, residues 980-1000): EEDPDANNLQ[Ile990Val]AVTRIKKGIN